The following is an entry in ClinVar:

NM_001164508.2(NEB):c.19097G>T (p.Ser6366Ile)

Gene: NEB (nebulin; minus strand). Cytogenetic location: 2q23.3.
Variant type: single nucleotide variant.
Coding change: c.19097G>T on transcript NM_001164508.2 (MANE Select); coding-DNA position 19097, G replaced by T.
Protein change: p.Ser6366Ile; replaces serine 6366 with isoleucine.
Molecular consequence: missense variant.
Genome position (GRCh38, 1-based): chr2:151,561,212, C>A on the plus strand (G>T on the coding strand, the complement: NEB is on the minus strand). VCF-style: chr2-151561212-C-A. GRCh37 (hg19) VCF-style: chr2-152417726-C-A.
Other names: LRG_202t1:g.171944G>T; NM_001164508.2(NEB):c.19097G>T; p.Ser6366Ile; c.19097G>T (NM_001271208.1); c.19097G>T, p.Ser6366Ile (NM_001164507.2, NM_001271208.2); c.13994G>T, p.Ser4665Ile (NM_004543.5); short protein forms S6366I, S4665I.
Identifiers: ClinVar variation 496132 (VCV000496132.14), dbSNP rs191579691, ClinGen allele CA1907773.

ClinVar aggregate classification (germline): Pathogenic. Review status: reviewed by expert panel (3 of 4 stars). 7 submissions from 7 submitters: Pathogenic (1). 6 of the submissions do not count toward it. Last evaluated 2024-08-07.

Conditions:
Nemaline myopathy 2 (NEM2). Also called: Nemaline myopathy 2, autosomal recessive. Identifiers: MedGen C1850569, MONDO:0009725, OMIM 256030.
Nemaline myopathy. Also called: Myopathies, Nemaline. Identifiers: Orphanet 607, MedGen C0206157, MONDO:0018958.
NEB-related disorder. Also called: NEB-related condition; NEB-Related Disorders.

Allele frequency attached by ClinVar (database versions not stated): TOPMed below 0.00001; 1000 Genomes Project 30x 0.00016; 1000 Genomes Project 0.00020.
gnomAD v4.1: 34 of 1,603,570 alleles (0.0021%); highest among the groups gnomAD compares: Non-Finnish European, 0.000085%; no homozygotes.

Submissions (7):

ClinGen Congenital Myopathies Variant Curation Expert Panel, ClinGen
Classification: Pathogenic for Nemaline myopathy. Last evaluated: 2024-08-07. Review status: reviewed by expert panel. Criteria: ClinGen CongenMyopathy ACMG Specifications NEB V1.0.0. Collection method: curation. Allele origin: germline. Inheritance: Autosomal recessive inheritance.
Comment: The c.19097G>T (p.Ser6366Ile) variant in NEB is a missense variant predicted to cause substitution of serine by isoleucine at amino acid 6366. The highest population minor allele frequency in gnomAD v4.1.0 is 0.0004723 (30/63518 alleles) in the European (Finnish) population, which is higher than the ClinGen Congenital Myopathies VCEP threshold (MAF≥0.000237) for BS1. However, this variant is excluded from the application of BA1/BS1 by the ClinGen Congenital Myopathies VCEP as it is a well established pathogenic variant. The computational predictor REVEL gives a score of 0.829, which is above the threshold of 0.7, evidence that correlates with impact to NEB function (PP3). This variant has been detected in 10 individuals with nemaline myopathy. Eight of those individuals were compound heterozygous for the variant and a pathogenic or likely pathogenic variant and 2 of those were confirmed in trans by family testing. Two individuals were homozygous for the variant (PMIDs: 25205138, 15336686, 17525139) (PM3_VeryStrong). At least one patient with this variant displayed nemaline rods, which is highly specific for nemaline myopathy (PP4, PMID: 17525139). A typical NM mouse model with compound heterozygous variants (p.Ser6366Ile and NebΔExon55) mimics features found in NM patients such as growth-retardation, muscle weakness, and atrophic muscles that contain nemaline rods and structural features consistent with NM. The S6366I-Homozygous model has a phenotype that develops with age and appears to share similarities with Finnish distal myopathy patients (PMID: 32483185)(PS3). In summary, this variant meets the criteria to be classified as pathogenic for autosomal recessive nemaline myopathy based on the ACMG/AMP criteria applied, as specified by the ClinGen Congenital Myopathies VCEP: PM3_VeryStrong, PS3, PP3, PP4. (ClinGen Congenital Myopathies VCEP specifications version 1; 8/7/2024)

Natera, Inc.
Classification: Pathogenic for Nemaline myopathy type 2. Last evaluated: 2025-04-21. Review status: criteria provided, single submitter. Criteria: Natera Variant Classification Schema (03/2026). Collection method: clinical testing. Allele origin: germline. Not counted in ClinVar's aggregate classification.
Comment: The c.19097G>T variant in NEB is a missense variant predicted to cause substitution of serine to isoleucine at amino acid 6366. This variant is rare in the general population with a frequency below the threshold expected for the associated phenotype(s). This variant has been observed in one or more individuals affected with the associated recessive disease, as either homozygous or compound heterozygous with a second variant (PMID: 26197980, 25205138, 16917880). This variant has been found together with another disease-causing variant in the same copy of the gene (PMID: 16917880). Computational prediction algorithms indicate this variant is likely to affect gene or protein function. Given the available evidence, this variant is classified as Pathogenic.

Blueprint Genetics
Classification: Likely pathogenic for NEB-related disorders. Last evaluated: 2023-04-03. Review status: criteria provided, single submitter. Criteria: ACMG Guidelines, 2015. Collection method: clinical testing. Allele origin: germline. Affected: yes. Observed: 5 variant alleles. Not counted in ClinVar's aggregate classification.

Labcorp Genetics (formerly Invitae), Labcorp
Classification: Pathogenic for Nemaline myopathy 2. Last evaluated: 2023-03-14. Review status: criteria provided, single submitter. Criteria: Invitae Variant Classification Sherloc (09022015). Collection method: clinical testing. Allele origin: germline. Not counted in ClinVar's aggregate classification.
Comment: For these reasons, this variant has been classified as Pathogenic. Experimental studies are conflicting or provide insufficient evidence to determine the effect of this variant on NEB function (PMID: 25110572). Algorithms developed to predict the effect of variants on protein structure and function are not available or were not evaluated for this variant. ClinVar contains an entry for this variant (Variation ID: 496132). This variant is also known as g.171944G>T; p.Ser4665Ile. This missense change has been observed in individual(s) with nemaline myopathy (PMID: 15336686, 16917880, 17525139). In at least one individual the data is consistent with being in trans (on the opposite chromosome) from a pathogenic variant. It is commonly reported in individuals of Finnish ancestry (PMID: 16917880, 17525139, 25110572). This variant is present in population databases (rs191579691, gnomAD 0.06%). This sequence change replaces serine, which is neutral and polar, with isoleucine, which is neutral and non-polar, at codon 6366 of the NEB protein (p.Ser6366Ile).

Women's Health and Genetics/Laboratory Corporation of America, LabCorp
Classification: Pathogenic for Nemaline myopathy. Last evaluated: 2017-08-10. Review status: criteria provided, single submitter. Criteria: LabCorp Variant Classification Summary - May 2015. Collection method: clinical testing. Allele origin: germline. Not counted in ClinVar's aggregate classification.
Comment: Variant summary: The NEB c.19097G>T (p.Ser6366Ile) variant involves the alteration of a conserved nucleotide. 4/4 in silico tools predict a damaging outcome for this variant. This variant was found in 7/78722 control chromosomes at a frequency of 0.0000889, which does not exceed the estimated maximal expected allele frequency of a pathogenic NEB variant (0.0035355). The variant was reported in multiple patients affected with NM when in the compound heterozygous state with another pathogenic mutation. Additionally, a report of patients homozygous for the mutation describe two patients without classic NM but with a novel type of recessively inherited distal myopathy. Taken together, this variant is classified as pathogenic.

OMIM
Classification: Pathogenic for NEMALINE MYOPATHY 2. Last evaluated: 2018-04-03. Review status: no assertion criteria provided. Collection method: literature only. Allele origin: germline. Not counted in ClinVar's aggregate classification.

Counsyl
Classification: Pathogenic for Nemaline myopathy 2. Last evaluated: 2017-03-28. Review status: no assertion criteria provided. Collection method: clinical testing. Allele origin: unknown. Not counted in ClinVar's aggregate classification.

Literature cited by the submitters: PubMed 26197980 (cited by 3 submitters); PubMed 25205138 (cited by 3 submitters); PubMed 16917880 (cited by 4 submitters); PubMed 25110572 (cited by 4 submitters); PubMed 15336686 (cited by Labcorp Genetics (formerly Invitae), Labcorp); PubMed 17525139 (cited by 4 submitters).